The following is an entry in ClinVar:

NM_003680.4(YARS1):c.221C>T (p.Ala74Val)

Gene: YARS1 (tyrosyl-tRNA synthetase 1; minus strand). Cytogenetic location: 1p35.1.
Variant type: single nucleotide variant.
Coding change: c.221C>T on transcript NM_003680.4 (MANE Select); coding-DNA position 221, C replaced by T.
Protein change: p.Ala74Val; replaces alanine 74 with valine.
Molecular consequence: missense variant.
Genome position (GRCh38, 1-based): chr1:32,810,750, G>A on the plus strand (C>T on the coding strand, the complement: YARS1 is on the minus strand). VCF-style: chr1-32810750-G-A. GRCh37 (hg19) VCF-style: chr1-33276351-G-A.
Other names: short protein forms A74V.
Identifiers: ClinVar variation 533462 (VCV000533462.7), dbSNP rs1429267110, ClinGen allele CA339687348.

ClinVar aggregate classification (germline): Uncertain significance (1 of 4 stars; one submission).

Conditions:
Charcot-Marie-Tooth disease dominant intermediate C (CMTDIC). Also called: CHARCOT-MARIE-TOOTH NEUROPATHY, DOMINANT INTERMEDIATE C. Identifiers: Orphanet 100045, MedGen C1842237, MONDO:0012012, OMIM 608323.

Allele frequency attached by ClinVar (database versions not stated): gnomAD exomes 0.00001; gnomAD 0.00003 and 0.00004; TOPMed 0.00003.
gnomAD v4.1: 9 of 1,613,998 alleles (0.00056%); highest among the groups gnomAD compares: Admixed American, 0.013%; no homozygotes.

Submission:

Labcorp Genetics (formerly Invitae), Labcorp
Classification: Uncertain significance for Charcot-Marie-Tooth disease dominant intermediate C. Last evaluated: 2025-09-03. Review status: criteria provided, single submitter. Criteria: Invitae Variant Classification Sherloc (09022015). Collection method: clinical testing. Allele origin: germline.
Comment: This sequence change replaces alanine, which is neutral and non-polar, with valine, which is neutral and non-polar, at codon 74 of the YARS protein (p.Ala74Val). This variant is present in population databases (no rsID available, gnomAD 0.009%). This missense change has been observed in individual(s) with clinical features of YARS-related conditions (internal data). ClinVar contains an entry for this variant (Variation ID: 533462). Invitae Evidence Modeling of protein sequence and biophysical properties (such as structural, functional, and spatial information, amino acid conservation, physicochemical variation, residue mobility, and thermodynamic stability) indicates that this missense variant is expected to disrupt YARS protein function with a positive predictive value of 80%. In summary, the available evidence is currently insufficient to determine the role of this variant in disease. Therefore, it has been classified as a Variant of Uncertain Significance.